The following is an entry in ClinVar:

ClinVar aggregate classification (germline): Likely pathogenic (1 of 4 stars; one submission).

Conditions:
Pancytopenia due to IKZF1 mutations. Also called: Immunodeficiency, common variable, 13. Identifiers: Orphanet 317473, MedGen C4225173, MONDO:0014810, OMIM 616873.

Submission:

3billion
Classification: Likely pathogenic for Pancytopenia due to IKZF1 mutations. Last evaluated: 2023-02-23. Review status: criteria provided, single submitter. Criteria: ACMG Guidelines, 2015. Collection method: clinical testing. Allele origin: unknown. Affected: yes.
Comment: The variant is not observed in the gnomAD v2.1.1 dataset. This variant was predicted to result in a loss or disruption of normal protein function through protein truncation. The predicted truncated protein may be shortened by more than 10%. Therefore, this variant is classified as Likely pathogenic according to the recommendation of ACMG/AMP guideline.

NM_006060.6(IKZF1):c.1275dup (p.Leu426fs)

Gene: IKZF1 (IKAROS family zinc finger 1; plus strand). Cytogenetic location: 7p12.2.
Variant type: Duplication.
Coding change: c.1275dup on transcript NM_006060.6 (MANE Select); coding-DNA position 1275, one base duplicated (G; older notation c.1275dupG).
Protein change: p.Leu426fs; shifts the reading frame from leucine 426.
Molecular consequence: frameshift variant.
Genome position (GRCh38, 1-based): chr7:50,400,342, G duplicated; the last of 3 consecutive G bases (chr7:50,400,340-50,400,342); duplicating any one gives the same sequence. VCF-style (leftmost placement, unchanged base first): chr7-50400339-C-CG. GRCh37 (hg19) VCF-style: chr7-50468037-C-CG.
Other names: c.1014dup, p.Leu339fs (NM_001220768.2, NM_001291838.2); c.858dup, p.Leu287fs (NM_001220770.2); c.846dup, p.Leu283fs (NM_001220771.2, NM_001291841.1); c.1149dup, p.Leu384fs (NM_001291837.2, NM_001220765.3); c.888dup, p.Leu297fs (NM_001291839.2); c.585dup, p.Leu196fs (NM_001291840.1); c.816dup, p.Leu273fs (NM_001291842.1); c.720dup, p.Leu241fs (NM_001291843.1); and 3 more; short protein forms L196fs, L231fs, L241fs, L273fs, L283fs, L287fs, L297fs, L329fs.
Identifiers: ClinVar variation 2444367 (VCV002444367.1), dbSNP rs2538941518, ClinGen allele CA2580077269.